The following is an entry in ClinVar:

NM_002335.4(LRP5):c.3007G>A (p.Ala1003Thr)

Gene: LRP5 (LDL receptor related protein 5; plus strand). Cytogenetic location: 11q13.2.
Variant type: single nucleotide variant.
Coding change: c.3007G>A on transcript NM_002335.4 (MANE Select); coding-DNA position 3007, G replaced by A.
Protein change: p.Ala1003Thr; replaces alanine 1003 with threonine.
Molecular consequence: missense variant.
Genome position (GRCh38, 1-based): chr11:68,416,507, G>A. VCF-style: chr11-68416507-G-A. GRCh37 (hg19) VCF-style: chr11-68183975-G-A.
Other names: c.1264G>A, p.Ala422Thr (NM_001291902.2); short protein forms A1003T, A422T.
Identifiers: ClinVar variation 3068987 (VCV003068987.2), dbSNP rs2496776758, ClinGen allele CA381620016.

ClinVar aggregate classification (germline): Uncertain significance (1 of 4 stars; one submission).

Submission:

Women's Health and Genetics/Laboratory Corporation of America, LabCorp
Classification: Uncertain significance. Last evaluated: 2024-02-28. Review status: criteria provided, single submitter. Criteria: LabCorp Variant Classification Summary - May 2015. Collection method: clinical testing. Allele origin: germline.
Comment: Variant summary: LRP5 c.3007G>A (p.Ala1003Thr) results in a non-conservative amino acid change in the encoded protein sequence. Four of five in-silico tools predict a damaging effect of the variant on protein function. The variant was absent in 251000 control chromosomes (gnomAD). The available data on variant occurrences in the general population are insufficient to allow any conclusion about variant significance. To our knowledge, no occurrence of c.3007G>A in individuals affected with Familial Exudative Vitreoretinopathy or other LRP5-related disorders and no experimental evidence demonstrating its impact on protein function have been reported. No submitters have cited clinical-significance assessments for this variant to ClinVar. Based on the evidence outlined above, the variant was classified as uncertain significance.